The following is an entry in ClinVar:

ClinVar aggregate classification (germline): Uncertain significance (1 of 4 stars; one submission).

Conditions:
Coffin-Siris syndrome 7. Identifiers: MedGen C4747954, MONDO:0054831, OMIM 618027.

Submission:

Laboratorio de Genetica e Diagnostico Molecular, Hospital Israelita Albert Einstein
Classification: Uncertain significance for Coffin-Siris syndrome 7. Last evaluated: 2024-12-01. Review status: criteria provided, single submitter. Criteria: ACMG Guidelines, 2015. Collection method: clinical testing. Allele origin: germline. Affected: yes.
Comment: ACMG classification criteria: PM2 supporting, PP2 supporting

NM_006268.5(DPF2):c.1091C>A (p.Pro364His)

Gene: DPF2 (double PHD fingers 2; plus strand). Cytogenetic location: 11q13.1.
Variant type: single nucleotide variant.
Coding change: c.1091C>A on transcript NM_006268.5 (MANE Select); coding-DNA position 1091, C replaced by A.
Protein change: p.Pro364His; replaces proline 364 with histidine.
Molecular consequence: missense variant.
Genome position (GRCh38, 1-based): chr11:65,348,923, C>A. VCF-style: chr11-65348923-C-A. GRCh37 (hg19) VCF-style: chr11-65116394-C-A.
Other names: c.1133C>A, p.Pro378His (NM_001330308.2); short protein forms P364H, P378H.
Identifiers: ClinVar variation 3901968 (VCV003901968.1).